The following is an entry in ClinVar:

NM_001853.4(COL9A3):c.1449C>A (p.Asn483Lys)

Genes: COL9A3 (collagen type IX alpha 3 chain; plus strand), LOC126863084 (MED14-independent group 3 enhancer GRCh37_chr20:61467141-61468340; plus strand). Cytogenetic location: 20q13.33.
Variant type: single nucleotide variant.
Coding change: c.1449C>A on transcript NM_001853.4 (MANE Select); coding-DNA position 1449, C replaced by A.
Protein change: p.Asn483Lys; replaces asparagine 483 with lysine.
Molecular consequence: missense variant.
Genome position (GRCh38, 1-based): chr20:62,836,234, C>A. VCF-style: chr20-62836234-C-A. GRCh37 (hg19) VCF-style: chr20-61467586-C-A.
Other names: short protein forms N483K.
Identifiers: ClinVar variation 2085312 (VCV002085312.4), dbSNP rs151056612, ClinGen allele CA9949989.

ClinVar aggregate classification (germline): Uncertain significance (1 of 4 stars; one submission).

gnomAD v4.1: 4 of 1,613,556 alleles (0.00025%); highest among the groups gnomAD compares: Admixed American, 0.0033%; no homozygotes.

Submission:

Labcorp Genetics (formerly Invitae), Labcorp
Classification: Uncertain significance. Last evaluated: 2025-12-20. Review status: criteria provided, single submitter. Criteria: Invitae Variant Classification Sherloc (09022015). Collection method: clinical testing. Allele origin: germline.
Comment: This sequence change replaces asparagine, which is neutral and polar, with lysine, which is basic and polar, at codon 483 of the COL9A3 protein (p.Asn483Lys). This variant is present in population databases (rs151056612, gnomAD 0.003%). This variant has not been reported in the literature in individuals affected with COL9A3-related conditions. ClinVar contains an entry for this variant (Variation ID: 2085312). Invitae Evidence Modeling of protein sequence and biophysical properties (such as structural, functional, and spatial information, amino acid conservation, physicochemical variation, residue mobility, and thermodynamic stability) indicates that this missense variant is not expected to disrupt COL9A3 protein function with a negative predictive value of 95%. In summary, the available evidence is currently insufficient to determine the role of this variant in disease. Therefore, it has been classified as a Variant of Uncertain Significance.